The following is an entry in ClinVar:

NM_000059.4(BRCA2):c.8136T>G (p.Asp2712Glu)

Gene: BRCA2 (BRCA2 DNA repair associated; plus strand). Cytogenetic location: 13q13.1.
Variant type: single nucleotide variant.
Coding change: c.8136T>G on transcript NM_000059.4 (MANE Select); coding-DNA position 8136, T replaced by G.
Protein change: p.Asp2712Glu; replaces aspartic acid 2712 with glutamic acid.
Molecular consequence: missense variant.
Genome position (GRCh38, 1-based): chr13:32,363,338, T>G. VCF-style: chr13-32363338-T-G. GRCh37 (hg19) VCF-style: chr13-32937475-T-G.
Other names: short protein forms D2712E.
Identifiers: ClinVar variation 860439 (VCV000860439.10), dbSNP rs2072756898, ClinGen allele CA387749462.
Genomic context (GRCh38, chr13:32,363,338, plus strand): 5'-CATAATTTCATTGAGCGCAAATATATCTGAAACTTCTAGCAATAAAACTAGTAGTGCAGA[T>G]ACCCAAAAAGTGGCCATTATTGAACTTACAGATGGGTGGTATGCTGTTAAGGCCCAGTTA-3'
Protein context (NP_000050.3, residues 2702-2722): ETSSNKTSSA[Asp2712Glu]TQKVAIIELT

ClinVar aggregate classification (germline): Uncertain significance (1 of 4 stars; one submission).

Conditions:
Hereditary breast ovarian cancer syndrome. Also called: Hereditary breast and ovarian cancer; Breast and ovarian cancer; Hereditary breast and/or ovarian cancer syndrome; Hereditary breast and ovarian cancer syndrome; Hereditary breast and ovarian cancer syndrome (HBOC); BRCA1- and BRCA2-Associated Hereditary Breast and Ovarian Cancer. Identifiers: Orphanet 145, MedGen C0677776, MeSH D061325, MONDO:0003582. Disease mechanism: loss of function.

Submission:

Labcorp Genetics (formerly Invitae), Labcorp
Classification: Uncertain significance for Hereditary breast ovarian cancer syndrome. Last evaluated: 2025-12-23. Review status: criteria provided, single submitter. Criteria: Invitae Variant Classification Sherloc (09022015). Collection method: clinical testing. Allele origin: germline.
Comment: This sequence change replaces aspartic acid, which is acidic and polar, with glutamic acid, which is acidic and polar, at codon 2712 of the BRCA2 protein (p.Asp2712Glu). This variant is not present in population databases (gnomAD no frequency). This variant has not been reported in the literature in individuals affected with BRCA2-related conditions. ClinVar contains an entry for this variant (Variation ID: 860439). Invitae Evidence Modeling of protein sequence and biophysical properties (such as structural, functional, and spatial information, amino acid conservation, physicochemical variation, residue mobility, and thermodynamic stability) indicates that this missense variant is not expected to disrupt BRCA2 protein function with a negative predictive value of 95%. In summary, the available evidence is currently insufficient to determine the role of this variant in disease. Therefore, it has been classified as a Variant of Uncertain Significance.